The following is an entry in ClinVar:

ClinVar aggregate classification (germline): Conflicting classifications of pathogenicity. Review status: criteria provided, conflicting classifications (1 of 4 stars). 5 submissions from 5 submitters: Uncertain significance (1); Benign (1); Likely benign (2). 1 of the submissions does not count toward it. Last evaluated 2026-01-25.

Conditions:
Charlevoix-Saguenay spastic ataxia (SACS). Also called: AUTOSOMAL RECESSIVE SPASTIC ATAXIA OF CHARLEVOIX-SAGUENAY; SPASTIC ATAXIA 6, AUTOSOMAL RECESSIVE; Spastic ataxia of Charlevoix-Saguenay. Identifiers: Orphanet 98, MedGen C1849140, MONDO:0010041, OMIM 270550.
Spastic paraplegia. Identifiers: MedGen C0037772, HP:0001258.

Allele frequency attached by ClinVar (database versions not stated): gnomAD exomes 0.00004 and 0.00010; gnomAD 0.00006 and 0.00007; TOPMed 0.00006; ExAC 0.00012; 1000 Genomes Project 30x 0.00031; 1000 Genomes Project 0.00040.
gnomAD v4.1: 63 of 1,610,500 alleles (0.0039%); highest among the groups gnomAD compares: East Asian, 0.096%; no homozygotes.

Submissions (5):

Labcorp Genetics (formerly Invitae), Labcorp
Classification: Likely benign for Spastic paraplegia. Last evaluated: 2026-01-25. Review status: criteria provided, single submitter. Criteria: Invitae Variant Classification Sherloc (09022015). Collection method: clinical testing. Allele origin: germline.

Athena Diagnostics
Classification: Benign. Last evaluated: 2024-12-31. Review status: criteria provided, single submitter. Criteria: Athena Diagnostics Criteria. Collection method: clinical testing. Allele origin: unknown.
Comment: The frequency of this variant in the general population is higher than would generally be expected for pathogenic variants in this gene. Computational tools yielded predictions that this variant is unlikely to have an effect on normal RNA splicing. This nucleotide position exhibits low evolutionary conservation.

Genome-Nilou Lab
Classification: Likely benign for Charlevoix-Saguenay spastic ataxia. Last evaluated: 2021-09-05. Review status: criteria provided, single submitter. Criteria: ACMG Guidelines, 2015. Collection method: clinical testing. Allele origin: germline. Affected: no.

Illumina Laboratory Services, Illumina
Classification: Uncertain significance for Charlevoix-Saguenay spastic ataxia. Last evaluated: 2018-01-13. Review status: criteria provided, single submitter. Criteria: ICSL Variant Classification Criteria 13 December 2019. Collection method: clinical testing. Allele origin: germline.

Natera, Inc.
Classification: Likely benign for Charlevoix-Saguenay type spastic ataxia. Last evaluated: 2020-05-02. Review status: no assertion criteria provided. Collection method: clinical testing. Allele origin: germline. Not counted in ClinVar's aggregate classification.

NM_014363.6(SACS):c.2487C>T (p.Asp829=)

Gene: SACS (sacsin molecular chaperone; minus strand). Cytogenetic location: 13q12.12.
Variant type: single nucleotide variant.
Coding change: c.2487C>T on transcript NM_014363.6 (MANE Select); coding-DNA position 2487, C replaced by T.
Protein change: p.Asp829=; no amino-acid change (aspartic acid 829 retained).
Molecular consequence: synonymous variant.
Genome position (GRCh38, 1-based): chr13:23,341,389, G>A on the plus strand (C>T on the coding strand, the complement: SACS is on the minus strand). VCF-style: chr13-23341389-G-A. GRCh37 (hg19) VCF-style: chr13-23915528-G-A.
Other names: c.2046C>T, p.Asp682= (NM_001278055.2); c.2487C>T (NM_014363.4).
Identifiers: ClinVar variation 311556 (VCV000311556.20), dbSNP rs151198216, ClinGen allele CA6911682.